The following is an entry in ClinVar:

ClinVar aggregate classification (germline): Benign/Likely benign. Review status: criteria provided, multiple submitters, no conflicts (2 of 4 stars). 4 submissions from 4 submitters: Benign (2); Likely benign (1). 1 of the submissions does not count toward it. Last evaluated 2025-07-01.

Conditions:
KIF26B-related disorder. Also called: KIF26B-related condition.

Allele frequency attached by ClinVar (database versions not stated): gnomAD 0.00466 and 0.00464; 1000 Genomes Project 0.00180; 1000 Genomes Project 30x 0.00219; ESP Exome Variant Server 0.00393; TOPMed 0.00421; gnomAD exomes 0.00432; ExAC 0.00448.
gnomAD v4.1: 11,167 of 1,612,040 alleles (0.69%); highest among the groups gnomAD compares: Non-Finnish European, 0.84%; 44 homozygotes.

Submissions (4):

CeGaT Center for Human Genetics Tuebingen
Classification: Likely benign. Last evaluated: 2025-07-01. Review status: criteria provided, single submitter. Criteria: CeGaT Center For Human Genetics Tuebingen Variant Classification Criteria Version 2. Collection method: clinical testing. Allele origin: germline. Affected: yes. Observed: 1 variant allele.
Comment: KIF26B: BP4, BP7, BS2

Labcorp Genetics (formerly Invitae), Labcorp
Classification: Benign. Last evaluated: 2019-12-31. Review status: criteria provided, single submitter. Criteria: Invitae Variant Classification Sherloc (09022015). Collection method: clinical testing. Allele origin: germline.

Breakthrough Genomics
Classification: Benign. Review status: criteria provided, single submitter. Criteria: ACMG Guidelines, 2015. Collection method: not provided. Allele origin: germline. Inheritance: Unknown mechanism. Affected: yes.

PreventionGenetics, part of Exact Sciences
Classification: Likely benign for KIF26B-related condition. Last evaluated: 2019-05-08. Review status: no assertion criteria provided. Collection method: clinical testing. Allele origin: germline. Not counted in ClinVar's aggregate classification.
Comment: This variant is classified as likely benign based on ACMG/AMP sequence variant interpretation guidelines (Richards et al. 2015 PMID: 25741868, with internal and published modifications).

NM_018012.4(KIF26B):c.3159C>T (p.Cys1053=)

Gene: KIF26B (kinesin family member 26B; plus strand). Cytogenetic location: 1q44.
Variant type: single nucleotide variant.
Coding change: c.3159C>T on transcript NM_018012.4 (MANE Select); coding-DNA position 3159, C replaced by T.
Protein change: p.Cys1053=; no amino-acid change (cysteine 1053 retained).
Molecular consequence: synonymous variant.
Genome position (GRCh38, 1-based): chr1:245,686,142, C>T. VCF-style: chr1-245686142-C-T. GRCh37 (hg19) VCF-style: chr1-245849444-C-T.
Identifiers: ClinVar variation 787766 (VCV000787766.15), dbSNP rs201841118, ClinGen allele CA1488178.
Genomic context (GRCh38, chr1:245,686,142, plus strand): 5'-CGCCTCCCCACTCGTGCAGAGCCCCAGCCTCCAGAGCAGCCGGGAGAGCCTCAACTCCTG[C>T]GGCTTCGTGGAAGGCAAGCCCAGGCCCATGGGCTCCCCCCGGCTGGGCATCGCCAGCCTG-3'
Protein context (NP_060482.2, residues 1043-1063): LQSSRESLNS[Cys1053=]GFVEGKPRPM